The following is an entry in ClinVar:

ClinVar aggregate classification (germline): Uncertain significance (1 of 4 stars; one submission).

gnomAD v4.1: 8 of 1,613,822 alleles (0.0005%); highest among the groups gnomAD compares: Non-Finnish European, 0.00068%; no homozygotes.

Submission:

Labcorp Genetics (formerly Invitae), Labcorp
Classification: Uncertain significance. Last evaluated: 2024-03-19. Review status: criteria provided, single submitter. Criteria: Invitae Variant Classification Sherloc (09022015). Collection method: clinical testing. Allele origin: germline.
Comment: This sequence change replaces alanine, which is neutral and non-polar, with valine, which is neutral and non-polar, at codon 2081 of the USH2A protein (p.Ala2081Val). This variant is not present in population databases (gnomAD no frequency). This variant has not been reported in the literature in individuals affected with USH2A-related conditions. Advanced modeling of protein sequence and biophysical properties (such as structural, functional, and spatial information, amino acid conservation, physicochemical variation, residue mobility, and thermodynamic stability) performed at Invitae indicates that this missense variant is not expected to disrupt USH2A protein function with a negative predictive value of 95%. Algorithms developed to predict the effect of sequence changes on RNA splicing suggest that this variant may disrupt the consensus splice site. In summary, the available evidence is currently insufficient to determine the role of this variant in disease. Therefore, it has been classified as a Variant of Uncertain Significance.

NM_206933.4(USH2A):c.6242C>T (p.Ala2081Val)

Gene: USH2A (usherin; minus strand). Cytogenetic location: 1q41.
Variant type: single nucleotide variant.
Coding change: c.6242C>T on transcript NM_206933.4 (MANE Select); coding-DNA position 6242, C replaced by T.
Protein change: p.Ala2081Val; replaces alanine 2081 with valine.
Molecular consequence: missense variant.
Genome position (GRCh38, 1-based): chr1:216,046,514, G>A on the plus strand (C>T on the coding strand, the complement: USH2A is on the minus strand). VCF-style: chr1-216046514-G-A. GRCh37 (hg19) VCF-style: chr1-216219856-G-A.
Other names: short protein forms A2081V.
Identifiers: ClinVar variation 3633756 (VCV003633756.2).